The following is an entry in ClinVar:

NM_001395403.1(SCYGR2):c.84T>C (p.Gly28=)

Gene: SCYGR2 (small cysteine and glycine repeat containing 2; plus strand). Cytogenetic location: 2q36.3.
Variant type: single nucleotide variant.
Coding change: c.84T>C on transcript NM_001395403.1 (MANE Select); coding-DNA position 84, T replaced by C.
Protein change: p.Gly28=; no amino-acid change (glycine 28 retained).
Molecular consequence: synonymous variant.
Genome position (GRCh38, 1-based): chr2:227,598,976, T>C. VCF-style: chr2-227598976-T-C. GRCh37 (hg19) VCF-style: chr2-228463692-T-C.
Identifiers: ClinVar variation 4083874 (VCV004083874.8).

ClinVar aggregate classification (germline): Likely benign (1 of 4 stars; one submission).

Submission:

CeGaT Center for Human Genetics Tuebingen
Classification: Likely benign. Last evaluated: 2025-07-01. Review status: criteria provided, single submitter. Criteria: CeGaT Center For Human Genetics Tuebingen Variant Classification Criteria Version 2. Collection method: clinical testing. Allele origin: germline. Affected: yes. Observed: 1 variant allele.
Comment: SCYGR2: PM2:Supporting, BP4, BP7